The following is an entry in ClinVar:

NM_000038.6(APC):c.470G>A (p.Trp157Ter)

Gene: APC (APC regulator of Wnt signaling pathway; plus strand). Cytogenetic location: 5q22.2.
Variant type: single nucleotide variant.
Coding change: c.470G>A on transcript NM_000038.6 (MANE Select); coding-DNA position 470, G replaced by A.
Protein change: p.Trp157Ter; replaces tryptophan 157 with a stop codon.
Molecular consequence: nonsense. On other transcripts: 5 prime UTR variant (1).
Genome position (GRCh38, 1-based): chr5:112,775,676, G>A. VCF-style: chr5-112775676-G-A. GRCh37 (hg19) VCF-style: chr5-112111373-G-A.
Other names: c.470G>A, p.Trp157Ter (NM_001127510.3, NM_001354895.2, NM_001354896.2 and 2 more transcripts); c.500G>A, p.Trp167Ter (NM_001127511.3, NM_001354897.2, NM_001354902.2); c.395G>A, p.Trp132Ter (NM_001354898.2, NM_001354904.2); c.293G>A, p.Trp98Ter (NM_001354900.2, NM_001354901.2, NM_001354905.2); c.-566G>A (NM_001354906.2); short protein forms W157*, W167*, W98*, W132*.
Identifiers: ClinVar variation 813 (VCV000000813.12), dbSNP rs137854576, ClinGen allele CA009701.

ClinVar aggregate classification (germline): Pathogenic. Review status: criteria provided, multiple submitters, no conflicts (2 of 4 stars). 3 submissions from 3 submitters: Pathogenic (2). 1 of the submissions does not count toward it. Last evaluated 2024-10-02.

Conditions:
Familial adenomatous polyposis 1 (FAP1). Also called: FAMILIAL ADENOMATOUS POLYPOSIS 1, ATTENUATED; POLYPOSIS, ADENOMATOUS INTESTINAL. Identifiers: MedGen C2713442, MONDO:0021056, OMIM 175100. Disease mechanism: loss of function.

Submissions (3):

Labcorp Genetics (formerly Invitae), Labcorp
Classification: Pathogenic for Familial adenomatous polyposis 1. Last evaluated: 2024-10-02. Review status: criteria provided, single submitter. Criteria: Invitae Variant Classification Sherloc (09022015). Collection method: clinical testing. Allele origin: germline.
Comment: This sequence change creates a premature translational stop signal (p.Trp157*) in the APC gene. It is expected to result in an absent or disrupted protein product. Loss-of-function variants in APC are known to be pathogenic (PMID: 17963004, 20685668). This variant is not present in population databases (gnomAD no frequency). This premature translational stop signal has been observed in individual(s) with clinical features of familial adenomatous polyposis (PMID: 8381580, 20685668). ClinVar contains an entry for this variant (Variation ID: 813). Algorithms developed to predict the effect of sequence changes on RNA splicing suggest that this variant may disrupt the consensus splice site. For these reasons, this variant has been classified as Pathogenic.

Myriad Genetics, Inc.
Classification: Pathogenic for Familial adenomatous polyposis 1. Last evaluated: 2023-04-26. Review status: criteria provided, single submitter. Criteria: Myriad Autosomal Dominant, Autosomal Recessive and X-Linked Classification Criteria (2023). Collection method: clinical testing. Allele origin: unknown.
Comment: This variant is considered pathogenic. This variant creates a termination codon and is predicted to result in premature protein truncation.

OMIM
Classification: Pathogenic for FAMILIAL ADENOMATOUS POLYPOSIS 1, ATTENUATED. Last evaluated: 2016-10-20. Review status: no assertion criteria provided. Collection method: literature only. Allele origin: germline. Not counted in ClinVar's aggregate classification.

Literature cited by the submitters: PubMed 17963004 (cited by Labcorp Genetics (formerly Invitae), Labcorp); PubMed 20685668 (cited by Labcorp Genetics (formerly Invitae), Labcorp); PubMed 8381580 (cited by Labcorp Genetics (formerly Invitae), Labcorp); PubMed 9843214 (cited by OMIM).